The following is an entry in ClinVar:

ClinVar aggregate classification (germline): Uncertain significance (1 of 4 stars; one submission).

Allele frequency attached by ClinVar (database versions not stated): gnomAD exomes below 0.00001.
gnomAD v4.1: 1 of 1,614,190 alleles (0.000062%); highest among the groups gnomAD compares: Non-Finnish European, 0.000085%; no homozygotes.

Submission:

Ambry Genetics
Classification: Uncertain significance. Last evaluated: 2022-03-03. Review status: criteria provided, single submitter. Criteria: Ambry Variant Classification Scheme 2023. Collection method: clinical testing. Allele origin: germline.
Comment: The p.G163S variant (also known as c.487G>A), located in coding exon 1 of the PALLD gene, results from a G to A substitution at nucleotide position 487. The glycine at codon 163 is replaced by serine, an amino acid with similar properties. This amino acid position is conserved. In addition, this alteration is predicted to be tolerated by in silico analysis. Since supporting evidence is limited at this time, the clinical significance of this alteration remains unclear.

NM_001166108.2(PALLD):c.487G>A (p.Gly163Ser)

Gene: PALLD (palladin, cytoskeletal associated protein; plus strand). Cytogenetic location: 4q32.3.
Variant type: single nucleotide variant.
Coding change: c.487G>A on transcript NM_001166108.2 (MANE Select); coding-DNA position 487, G replaced by A.
Protein change: p.Gly163Ser; replaces glycine 163 with serine.
Molecular consequence: missense variant.
Genome position (GRCh38, 1-based): chr4:168,511,991, G>A. VCF-style: chr4-168511991-G-A. GRCh37 (hg19) VCF-style: chr4-169433142-G-A.
Other names: c.487G>A, p.Gly163Ser (NM_016081.4); short protein forms G163S.
Identifiers: ClinVar variation 1743767 (VCV001743767.2), dbSNP rs2531433190, ClinGen allele CA358726130.